The following is an entry in ClinVar:

NM_001374736.1(DST):c.19675C>T (p.Gln6559Ter)

Gene: DST (dystonin; minus strand). Cytogenetic location: 6p12.1.
Variant type: single nucleotide variant.
Coding change: c.19675C>T on transcript NM_001374736.1 (MANE Select); coding-DNA position 19675, C replaced by T.
Protein change: p.Gln6559Ter; replaces glutamine 6559 with a stop codon.
Molecular consequence: nonsense.
Genome position (GRCh38, 1-based): chr6:56,501,585, G>A on the plus strand (C>T on the coding strand, the complement: DST is on the minus strand). VCF-style: chr6-56501585-G-A. GRCh37 (hg19) VCF-style: chr6-56366383-G-A.
Other names: c.13318C>T, p.Gln4440Ter (NM_001144769.5); c.12904C>T, p.Gln4302Ter (NM_001144770.2); c.19675C>T, p.Gln6559Ter (NM_001374722.1); c.18715C>T, p.Gln6239Ter (NM_001374729.1); c.12457C>T, p.Gln4153Ter (NM_001374730.1); c.19702C>T, p.Gln6568Ter (NM_001374734.1); c.12784C>T, p.Gln4262Ter (NM_001386100.1, NM_183380.4); c.11806C>T, p.Gln3936Ter (NM_015548.5); short protein forms Q3936*, Q4153*, Q4262*, Q4302*, Q4440*, Q6239*, Q6559*, Q6568*.
Identifiers: ClinVar variation 3755979 (VCV003755979.2).

ClinVar aggregate classification (germline): Pathogenic (1 of 4 stars; one submission).

Conditions:
Hereditary sensory and autonomic neuropathy type 6. Also called: HSAN VI; Neuropathy, hereditary sensory and autonomic, type VI. Identifiers: Orphanet 314381, MedGen C3539003, MONDO:0013839, OMIM 614653.
Epidermolysis bullosa simplex 3, localized or generalized intermediate, with BP230 deficiency (EBS3). Also called: Epidermolysis bullosa simplex due to BP230 deficiency; Epidermolysis bullosa simplex, autosomal recessive 2. Identifiers: Orphanet 412181, MedGen C3809470, MONDO:0014180, OMIM 615425.

Submission:

Labcorp Genetics (formerly Invitae), Labcorp
Classification: Pathogenic for Epidermolysis bullosa simplex 3, localized or generalized intermediate, with BP230 deficiency; Hereditary sensory and autonomic neuropathy type 6. Last evaluated: 2024-04-24. Review status: criteria provided, single submitter. Criteria: Invitae Variant Classification Sherloc (09022015). Collection method: clinical testing. Allele origin: germline.
Comment: The DST gene has multiple clinically relevant transcripts. This variant occurs in alternate transcript NM_015548.4, and corresponds to NM_001723.5:c.*113932C>T in the primary transcript. This sequence change creates a premature translational stop signal (p.Gln3936*) in the DST gene. It is expected to result in an absent or disrupted protein product. Loss-of-function variants in DST are known to be pathogenic (PMID: 22522446, 25059916, 30371979). This variant is not present in population databases (gnomAD no frequency). This variant has not been reported in the literature in individuals affected with DST-related conditions. For these reasons, this variant has been classified as Pathogenic.

Literature cited by the submitters: PubMed 22522446; PubMed 25059916; PubMed 30371979.